The following is an entry in ClinVar:

ClinVar aggregate classification (germline): Uncertain significance (1 of 4 stars; one submission).

Submission:

GeneDx
Classification: Uncertain significance. Last evaluated: 2026-02-12. Review status: criteria provided, single submitter. Criteria: GeneDx Variant Classification Process June 2021. Collection method: clinical testing. Allele origin: germline.
Comment: Not observed at significant frequency in large population cohorts (gnomAD); In silico analysis supports that this missense variant has a deleterious effect on protein structure/function; Has not been previously published as pathogenic or benign to our knowledge.

NM_001458.5(FLNC):c.1223G>A (p.Gly408Asp)

Gene: FLNC (filamin C; plus strand). Cytogenetic location: 7q32.1.
Variant type: single nucleotide variant.
Coding change: c.1223G>A on transcript NM_001458.5 (MANE Select); coding-DNA position 1223, G replaced by A.
Protein change: p.Gly408Asp; replaces glycine 408 with aspartic acid.
Molecular consequence: missense variant.
Genome position (GRCh38, 1-based): chr7:128,838,615, G>A. VCF-style: chr7-128838615-G-A. GRCh37 (hg19) VCF-style: chr7-128478669-G-A.
Other names: c.1223G>A, p.Gly408Asp (NM_001127487.2); short protein forms G408D.
Identifiers: ClinVar variation 4975154 (VCV004975154.1).